The following is an entry in ClinVar:

ClinVar aggregate classification (germline): Uncertain significance (1 of 4 stars; one submission).

Conditions:
Hereditary nonpolyposis colorectal neoplasms. Identifiers: MedGen C0009405, MeSH D003123.

Submission:

Labcorp Genetics (formerly Invitae), Labcorp
Classification: Uncertain significance for Hereditary nonpolyposis colorectal neoplasms. Last evaluated: 2022-05-11. Review status: criteria provided, single submitter. Criteria: Invitae Variant Classification Sherloc (09022015). Collection method: clinical testing. Allele origin: germline.
Comment: In summary, the available evidence is currently insufficient to determine the role of this variant in disease. Therefore, it has been classified as a Variant of Uncertain Significance. Algorithms developed to predict the effect of sequence changes on RNA splicing suggest that this variant may disrupt the consensus splice site. This variant has not been reported in the literature in individuals affected with MSH6-related conditions. This variant is not present in population databases (gnomAD no frequency). This sequence change falls in intron 9 of the MSH6 gene. It does not directly change the encoded amino acid sequence of the MSH6 protein.

NM_000179.3(MSH6):c.4002-5T>A

Gene: MSH6 (mutS homolog 6; plus strand). Cytogenetic location: 2p16.3.
Variant type: single nucleotide variant.
Coding change: c.4002-5T>A on transcript NM_000179.3 (MANE Select); 5 bases into the intron before coding-DNA position 4002, T replaced by A.
Molecular consequence: intron variant.
Genome position (GRCh38, 1-based): chr2:47,806,774, T>A. VCF-style: chr2-47806774-T-A. GRCh37 (hg19) VCF-style: chr2-48033913-T-A.
Other names: c.3096-5T>A (NM_001281493.2, NM_001281494.2); c.3612-5T>A (NM_001281492.2).
Identifiers: ClinVar variation 1992932 (VCV001992932.4), dbSNP rs1060502872, ClinGen allele CA2580067586.
Genomic context (GRCh38, chr2:47,806,774, plus strand): 5'-AGGGGAAGGGATGATGCACTATGAAAAAACAAAAAAACTTTTTTTTTTTTTTTTTTAATT[T>A]TAAGGGAAGTTTGCCTGGCTAGTGAAAGGTCAACTGTAGATGCTGAAGCTGTCCATAAAT-3'